The following is an entry in ClinVar:

ClinVar aggregate classification (germline): Uncertain significance (1 of 4 stars; one submission).

Conditions:
Hereditary cancer-predisposing syndrome. Also called: Neoplastic Syndromes, Hereditary; Tumor predisposition; Hereditary neoplastic syndrome; Hereditary Cancer Syndrome. Identifiers: Orphanet 140162, MedGen C0027672, MeSH D009386, MONDO:0015356.

Submission:

Ambry Genetics
Classification: Uncertain significance for Hereditary cancer-predisposing syndrome. Last evaluated: 2026-07-07. Review status: criteria provided, single submitter. Criteria: Ambry Variant Classification Scheme 2023. Collection method: clinical testing. Allele origin: germline.
Comment: The p.G217V variant (also known as c.650G>T), located in coding exon 3 of the PHOX2B gene, results from a G to T substitution at nucleotide position 650. The glycine at codon 217 is replaced by valine, an amino acid with dissimilar properties. This amino acid position is conserved. In addition, the in silico prediction for this alteration is inconclusive. Based on the available evidence, the clinical significance of this variant remains unclear.

NM_003924.4(PHOX2B):c.650G>T (p.Gly217Val)

Gene: PHOX2B (paired like homeobox 2B; minus strand). Cytogenetic location: 4p13.
Variant type: single nucleotide variant.
Coding change: c.650G>T on transcript NM_003924.4 (MANE Select); coding-DNA position 650, G replaced by T.
Protein change: p.Gly217Val; replaces glycine 217 with valine.
Molecular consequence: missense variant.
Genome position (GRCh38, 1-based): chr4:41,746,102, C>A on the plus strand (G>T on the coding strand, the complement: PHOX2B is on the minus strand). VCF-style: chr4-41746102-C-A. GRCh37 (hg19) VCF-style: chr4-41748119-C-A.
Other names: short protein forms G217V.
Identifiers: ClinVar variation 5026625 (VCV005026625.1).
Genomic context (GRCh38, chr4:41,746,102, plus strand): 5'-CCGGGTTCGCCTCCCGGGCCCCCGGGCCCCGCCGCCCCCGGAGCTCCAGCCGGGCTGGGC[C>A]CGCCGCCGCCGCCTCCATTCGCCCCGCAGCTGGGGGTGGGGTTGGGATTGGGACCTGGGC-3'
Protein context (NP_003915.2, residues 207-227): SCGANGGGGG[Gly217Val]PSPAGAPGAA